The following is an entry in ClinVar:

ClinVar aggregate classification (germline): Uncertain significance. Review status: criteria provided, multiple submitters, no conflicts (2 of 4 stars). 3 submissions from 3 submitters: Uncertain significance (2). 1 of the submissions does not count toward it. Last evaluated 2025-01-27.

Conditions:
EGFR-related disorder. Also called: EGFR-related condition.
Hereditary cancer-predisposing syndrome. Also called: Tumor predisposition; Hereditary neoplastic syndrome; Neoplastic Syndromes, Hereditary; Hereditary Cancer Syndrome. Identifiers: Orphanet 140162, MedGen C0027672, MeSH D009386, MONDO:0015356.
EGFR-related lung cancer (EGFR). Identifiers: MedGen CN130014.

Allele frequency attached by ClinVar (database versions not stated): gnomAD 0.00001; gnomAD exomes 0.00001; TOPMed 0.00001; ExAC 0.00002.
gnomAD v4.1: 15 of 1,614,080 alleles (0.00093%); highest among the groups gnomAD compares: Middle Eastern, 0.016%; 1 homozygote.

Submissions (3):

Ambry Genetics
Classification: Uncertain significance for Hereditary cancer-predisposing syndrome. Last evaluated: 2025-01-27. Review status: criteria provided, single submitter. Criteria: Ambry Variant Classification Scheme 2023. Collection method: clinical testing. Allele origin: germline.
Comment: The p.N196S variant (also known as c.587A>G), located in coding exon 5 of the EGFR gene, results from an A to G substitution at nucleotide position 587. The asparagine at codon 196 is replaced by serine, an amino acid with highly similar properties. This amino acid position is well conserved in available vertebrate species. In addition, this alteration is predicted to be tolerated by in silico analysis. Based on the available evidence, the clinical significance of this variant remains unclear.

Labcorp Genetics (formerly Invitae), Labcorp
Classification: Uncertain significance for EGFR-related lung cancer. Last evaluated: 2024-07-26. Review status: criteria provided, single submitter. Criteria: Invitae Variant Classification Sherloc (09022015). Collection method: clinical testing. Allele origin: germline.
Comment: This sequence change replaces asparagine, which is neutral and polar, with serine, which is neutral and polar, at codon 196 of the EGFR protein (p.Asn196Ser). This variant is present in population databases (rs766507267, gnomAD 0.006%). This variant has not been reported in the literature in individuals affected with EGFR-related conditions. ClinVar contains an entry for this variant (Variation ID: 958324). Advanced modeling of protein sequence and biophysical properties (such as structural, functional, and spatial information, amino acid conservation, physicochemical variation, residue mobility, and thermodynamic stability) performed at Invitae indicates that this missense variant is not expected to disrupt EGFR protein function with a negative predictive value of 80%. In summary, the available evidence is currently insufficient to determine the role of this variant in disease. Therefore, it has been classified as a Variant of Uncertain Significance.

PreventionGenetics, part of Exact Sciences
Classification: Uncertain significance for EGFR-related condition. Last evaluated: 2024-08-02. Review status: no assertion criteria provided. Collection method: clinical testing. Allele origin: germline. Not counted in ClinVar's aggregate classification.
Comment: The EGFR c.587A>G variant is predicted to result in the amino acid substitution p.Asn196Ser. To our knowledge, this variant has not been reported in the literature. This variant is reported in 0.0065% of alleles in individuals of South Asian descent in gnomAD. This variant has an interpretation of uncertain significance in ClinVar. At this time, the clinical significance of this variant is uncertain due to the absence of conclusive functional and genetic evidence.

NM_005228.5(EGFR):c.587A>G (p.Asn196Ser)

Gene: EGFR (epidermal growth factor receptor; plus strand). Cytogenetic location: 7p11.2.
Variant type: single nucleotide variant.
Coding change: c.587A>G on transcript NM_005228.5 (MANE Select); coding-DNA position 587, A replaced by G.
Protein change: p.Asn196Ser; replaces asparagine 196 with serine.
Molecular consequence: missense variant. On other transcripts: intron variant (1).
Genome position (GRCh38, 1-based): chr7:55,151,321, A>G. VCF-style: chr7-55151321-A-G. GRCh37 (hg19) VCF-style: chr7-55219014-A-G.
Other names: c.587A>G (NM_005228.4); c.452A>G, p.Asn151Ser (NM_001346897.2, NM_001346899.2); c.587A>G, p.Asn196Ser (NM_001346898.2, NM_201282.2, NM_201283.2 and 1 more transcripts); c.428A>G, p.Asn143Ser (NM_001346900.2); c.89-4509A>G (NM_001346941.2); short protein forms N151S, N196S, N143S.
Identifiers: ClinVar variation 958324 (VCV000958324.8), dbSNP rs766507267, ClinGen allele CA4265270.